The following is an entry in ClinVar:

NM_001282531.3(ADNP):c.2405C>T (p.Ser802Phe)

Gene: ADNP (activity dependent neuroprotector homeobox; minus strand). Cytogenetic location: 20q13.13.
Variant type: single nucleotide variant.
Coding change: c.2405C>T on transcript NM_001282531.3 (MANE Select); coding-DNA position 2405, C replaced by T.
Protein change: p.Ser802Phe; replaces serine 802 with phenylalanine.
Molecular consequence: missense variant.
Genome position (GRCh38, 1-based): chr20:50,892,309, G>A on the plus strand (C>T on the coding strand, the complement: ADNP is on the minus strand). VCF-style: chr20-50892309-G-A. GRCh37 (hg19) VCF-style: chr20-49508846-G-A.
Other names: c.2405C>T, p.Ser802Phe (NM_001282532.2, NM_001347511.2, NM_015339.5 and 1 more transcripts); c.2621C>T, p.Ser874Phe (NM_001439000.1); c.1721C>T, p.Ser574Phe (NM_001439001.1); short protein forms S574F, S802F, S874F.
Identifiers: ClinVar variation 4076152 (VCV004076152.1).

ClinVar aggregate classification (germline): Likely pathogenic (1 of 4 stars; one submission).

Conditions:
ADNP-related multiple congenital anomalies - intellectual disability - autism spectrum disorder. Also called: Helsmoortel-Van der Aa Syndrome; ADNP-Related Helsmoortel-Van der Aa Syndrome. Identifiers: Orphanet 404448, MedGen C4014538, MONDO:0014379, OMIM 615873. Disease mechanism: loss of function.

Submission:

UOC Genetica Medica, Irccs Fondazione Casa Sollievo Della Sofferenza
Classification: Likely pathogenic for ADNP-related multiple congenital anomalies - intellectual disability - autism spectrum disorder. Last evaluated: 2024-04-22. Review status: criteria provided, single submitter. Criteria: ACMG Guidelines, 2015. Collection method: clinical testing. Allele origin: de novo. Inheritance: Autosomal dominant inheritance. Affected: yes. Observed: 1 heterozygote.
Comment: Segregation analysis on parental DNA samples revealed a de novo event, and paternity and maternity were confirmed by microsatellite analysis (PS2_Strong). The detected variant was found to be absent in the general population (gnomADv4.1.0) (PM2_Moderate) and lies in the DNA-binding homeobox domain. In particular, it affects a residue that is highly conserved across species and is highly intolerant to variation (dN/dS = 0.04, MetaDome), although no other missense variants are reported in this functional domain. In silico analysis predicted a deleterious effect of p.(Ser802Phe) on ADNP protein by multiple tools (Revel score: 0.71; Mutation Assessor score: 0.78; MetaRNN score: 0.80; BayesDel noAF score: 0.95; MetaLR rankscore: 0.97; Clin Pred: 0.93; SIFT score: 0.00; MetaSVM score: 0.97; phyloP100way vertebrate score: 0.70) (PP3_Supporting).